The following is an entry in ClinVar:

NM_007254.4(PNKP):c.1295_1298+6del

Gene: PNKP (polynucleotide kinase 3'-phosphatase; minus strand). Cytogenetic location: 19q13.33.
Variant type: Deletion.
Coding change: c.1295_1298+6del on transcript NM_007254.4 (MANE Select); coding-DNA position 1295 through 6 bases into the intron after coding-DNA position 1298, 10 bases deleted (CCAGGTAGCG; older notation c.1295_1298+6delCCAGGTAGCG).
Molecular consequence: splice donor variant.
Genome position (GRCh38, 1-based): chr19:49,861,766-49,861,775, CGCTACCTGG deleted on the plus strand (CCAGGTAGCG on the coding strand, the reverse complement: PNKP is on the minus strand); deleting any 10 consecutive bases within chr19:49,861,766-49,861,778 gives the same sequence; the c. name uses the placement nearest the transcript's 3' end. VCF-style (leftmost placement, unchanged base first): chr19-49861765-ACGCTACCTGG-A. GRCh37 (hg19) VCF-style: chr19-50365022-ACGCTACCTGG-A.
Other names: c.1295_1298+6del10 (NM_007254.4); c.1295_1298+6delCCAGGTAGCG (NM_007254.2).
Identifiers: ClinVar variation 159788 (VCV000159788.32), dbSNP rs587784366, ClinGen allele CA251143.

ClinVar aggregate classification (germline): Pathogenic/Likely pathogenic. Review status: criteria provided, multiple submitters, no conflicts (2 of 4 stars). 9 submissions from 9 submitters: Pathogenic (8); Likely pathogenic (1). Last evaluated 2025-03-29.

Conditions:
PNKP-related disorder. Also called: PNKP-related condition; PNKP-related disorders.
Developmental and epileptic encephalopathy, 12 (DEE12). Identifiers: MedGen C3150988, MONDO:0013389, OMIM 613722.
Microcephaly, seizures, and developmental delay. Identifiers: Orphanet 1934, MedGen C3150667, MONDO:0013254, OMIM 613402.
Ataxia, early-onset, with oculomotor apraxia and hypoalbuminemia (EAOH). Also called: Ataxia-oculomotor apraxia type 1; ATAXIA-OCULOMOTOR APRAXIA SYNDROME; ATAXIA-TELANGIECTASIA-LIKE SYNDROME. Identifiers: Orphanet 1168, MedGen C1859598, MONDO:0008842, OMIM 208920.

Submissions (9):

Labcorp Genetics (formerly Invitae), Labcorp
Classification: Pathogenic for Developmental and epileptic encephalopathy, 12. Last evaluated: 2025-03-29. Review status: criteria provided, single submitter. Criteria: Invitae Variant Classification Sherloc (09022015). Collection method: clinical testing. Allele origin: germline.
Comment: This variant results in the deletion of part of exon 14 (c.1295_1298+6del) of the PNKP gene. It is expected to disrupt RNA splicing. Variants that disrupt the donor or acceptor splice site typically lead to a loss of protein function (PMID: 16199547), and loss-of-function variants in PNKP are known to be pathogenic (PMID: 20118933, 25728773). This variant is present in population databases (rs587784366, gnomAD 0.03%). This variant has been observed in individual(s) with PNKP-related conditions (PMID: 31167812). It has also been observed to segregate with disease in related individuals. ClinVar contains an entry for this variant (Variation ID: 159788). Algorithms developed to predict the effect of variants on gene product structure and function are not available or were not evaluated for this variant. Experimental studies have shown that this variant affects PNKP function (PMID: 32504494). For these reasons, this variant has been classified as Pathogenic.

Women's Health and Genetics/Laboratory Corporation of America, LabCorp
Classification: Pathogenic for PNKP-Related Disorders. Last evaluated: 2025-03-10. Review status: criteria provided, single submitter. Criteria: LabCorp Variant Classification Summary - May 2015. Collection method: clinical testing. Allele origin: germline.
Comment: Variant summary: PNKP c.1295_1298+6del10 is located in a canonical splice-site and is predicted to affect mRNA splicing resulting in a significantly altered protein due to either exon skipping, shortening, or inclusion of intronic material. Several computational tools predict a significant impact on normal splicing: Three predict the variant abolishes a 5' splicing donor site. The variant allele was found at a frequency of 6.8e-05 in 175710 control chromosomes (gnomAD). This frequency is not significantly higher than estimated for a pathogenic variant in PNKP causing PNKP-Related Disorders, allowing no conclusion about variant significance. The variant, c.1295_1298+6del10, has been reported in the literature in multiple individuals affected with PNKP-Related Disorders ranging from microcephaly with early onset seizures to oculomotor apraxia and Charcot-Marie-Tooth type 2 (CMT2) disease (e.g. Previtali_2019, Kalasova_2020, daCosta_2022). These data indicate that the variant is very likely to be associated with disease. At least one publication reports experimental evidence evaluating an impact on protein function, and demonstrated strongly reduced protein level and reduced function in patient derived cells (Kalasova_2020). The following publications have been ascertained in the context of this evaluation (PMID: 31167812, 32504494, 35426160). ClinVar contains an entry for this variant (Variation ID: 159788). Based on the evidence outlined above, the variant was classified as pathogenic.

Blueprint Genetics
Classification: Pathogenic for PNKP-related disorders. Last evaluated: 2024-01-24. Review status: criteria provided, single submitter. Criteria: ACMG Guidelines, 2015. Collection method: clinical testing. Allele origin: germline. Affected: yes. Observed: 5 variant alleles.

Laboratory for Molecular Medicine, Mass General Brigham Personalized Medicine
Classification: Pathogenic for Ataxia, early-onset, with oculomotor apraxia and hypoalbuminemia. Last evaluated: 2023-12-19. Review status: criteria provided, single submitter. Criteria: ACMG Guidelines, 2015. Collection method: clinical testing. Allele origin: germline. Inheritance: Autosomal recessive inheritance.
Comment: The c.1295_1298+6del (NM_007254.3 c.1295_1298+6delCCAGGTAGCG) variant in PNKP has been reported in the compound heterozygous state in 1 individual with microcephaly with early onset seizures (MCSZ), in 1 individual with motor neuropathy, and in 2 individuals with ataxia with oculomotor apraxia and segregated with disease in 2 affected relatives from 1 family (Previtali 2019 PMID: 31167812, Kalasova 2019 PMID: 31041400, da Costa 2022 PMID: 35426160). This variant has also been reported by other clinical laboratories in ClinVar (Variation ID 159788) and has been identified in 0.06% (3/4832) of South Asian and 0.0029% (2/68006) of European chromosomes by gnomAD (v.3.1.2). This variant is a deletion of ten nucleotides at the exon 14/intron 14 boundary, thereby destroying the canonical splice donor site in intron 14. It is predicted to cause altered splicing, leading to an abnormal or absent protein. Biallelic loss of function of the PNKP gene has been associated with ataxia with oculomotor apraxia. Functional studies in patient fibroblasts provide some evidence that this variant reduced protein expression and activity and were more susceptible to single strand breaks due to reduced repair activity (Kalasova 2019 PMID: 31041400, Kalasova 2020 PMID: 32504494). In summary, the c.1295_1298+6delCCAGGTAGCG variant in PNKP meets criteria to be classified as pathogenic for PNKP-related disorders, such as autosomal recessive ataxia with oculomotor apraxia, and autosomal recessive microcephaly, seizures and developmental delay. ACMG/AMP Criteria applied: PVS1, PM3_Strong, PP1, PS3_Supporting.

Department of Pathology and Laboratory Medicine, Sinai Health System
Classification: Pathogenic for Microcephaly, seizures, and developmental delay. Last evaluated: 2023-04-17. Review status: criteria provided, single submitter. Criteria: ACMG Guidelines, 2015. Collection method: research. Allele origin: germline.

Revvity Omics, Revvity
Classification: Pathogenic. Last evaluated: 2021-04-06. Review status: criteria provided, single submitter. Criteria: ACMG Guidelines, 2015. Collection method: clinical testing. Allele origin: germline.

Eurofins Ntd Llc (ga)
Classification: Likely pathogenic. Last evaluated: 2016-06-28. Review status: criteria provided, single submitter. Criteria: EGL Classification Definitions 2015. Collection method: clinical testing. Allele origin: germline. Observed: 3 variant alleles, 3 heterozygotes.

Genetic Services Laboratory, University of Chicago
Classification: Pathogenic for Epileptic encephalopathy, early infantile, 10. Last evaluated: 2014-06-05. Review status: criteria provided, single submitter. Criteria: ACMG Guidelines, 2015. Collection method: clinical testing. Allele origin: germline. Inheritance: Autosomal recessive inheritance. Affected: yes.

GeneDx
Classification: Pathogenic. Last evaluated: 2013-09-19. Review status: criteria provided, single submitter. Criteria: GeneDx Variant Classification (06012015). Collection method: clinical testing. Allele origin: germline. Affected: yes.
Comment: The c.1295_1298+6delCCAGGTAGCG mutation in the PNKP gene results in the deletion of ten nucleotides at the exon 14/intron 14 boundary, thereby destroying the canonical splice donor site in intron 14. It is predicted to cause abnormal gene splicing, either leading to an abnormal message that is subject to nonsense-mediated mRNA decay or to an abnormal protein product if the message is used for protein translation. Although this mutation has not been previously reported to our knowledge, it is considered a disease-causing mutation.The variant is found in CHILD-EPI,EPILEPSY panel(s).

Literature cited by the submitters: PubMed 16199547 (cited by Labcorp Genetics (formerly Invitae), Labcorp); PubMed 20118933 (cited by Labcorp Genetics (formerly Invitae), Labcorp); PubMed 25728773 (cited by Labcorp Genetics (formerly Invitae), Labcorp); PubMed 31167812 (cited by 3 submitters); PubMed 32504494 (cited by 3 submitters); PubMed 35426160 (cited by Women's Health and Genetics/Laboratory Corporation of America, LabCorp and Laboratory for Molecular Medicine, Mass General Brigham Personalized Medicine); PubMed 31041400 (cited by Laboratory for Molecular Medicine, Mass General Brigham Personalized Medicine).